The following is an entry in ClinVar:

NM_006660.5(CLPX):c.327C>T (p.Gly109=)

Gene: CLPX (caseinolytic mitochondrial matrix peptidase chaperone subunit X; minus strand). Cytogenetic location: 15q22.31.
Variant type: single nucleotide variant.
Coding change: c.327C>T on transcript NM_006660.5 (MANE Select); coding-DNA position 327, C replaced by T.
Protein change: p.Gly109=; no amino-acid change (glycine 109 retained).
Molecular consequence: synonymous variant. On other transcripts: non-coding transcript variant (1).
Genome position (GRCh38, 1-based): chr15:65,178,965, G>A on the plus strand (C>T on the coding strand, the complement: CLPX is on the minus strand). VCF-style: chr15-65178965-G-A. GRCh37 (hg19) VCF-style: chr15-65471303-G-A.
Other names: c.327C>T (NM_006660.4).
Identifiers: ClinVar variation 2882643 (VCV002882643.5), dbSNP rs148135934, ClinGen allele CA7614920.

ClinVar aggregate classification (germline): Likely benign. Review status: criteria provided, multiple submitters, no conflicts (2 of 4 stars). 2 submissions from 2 submitters: Likely benign (2). Last evaluated 2025-12-18.

Conditions:
CLPX-related disorder. Also called: CLPX-related condition.

Allele frequency attached by ClinVar (database versions not stated): gnomAD 0.00007; ESP Exome Variant Server 0.00008; gnomAD exomes 0.00009; ExAC 0.00011.
gnomAD v4.1: 145 of 1,607,206 alleles (0.009%); highest among the groups gnomAD compares: Middle Eastern, 0.066%; no homozygotes.

Submissions (3):

PreventionGenetics, part of Exact Sciences
Classification: Likely benign for CLPX-related condition. Last evaluated: 2025-12-18. Review status: criteria provided, single submitter. Criteria: ACMG Guidelines, 2015. Collection method: clinical testing. Allele origin: germline.
Comment: This variant is classified as likely benign based on ACMG/AMP sequence variant interpretation guidelines (Richards et al. 2015 PMID: 25741868, with internal and published modifications).

Labcorp Genetics (formerly Invitae), Labcorp
Classification: Likely benign. Last evaluated: 2024-06-03. Review status: criteria provided, single submitter. Criteria: Invitae Variant Classification Sherloc (09022015). Collection method: clinical testing. Allele origin: germline.

Dr. Peter K. Rogan Lab, Western University
No classification provided (evidence only). Condition: Uterine corpus endometrial carcinoma. Review status: no classification provided. Collection method: in vitro. Allele origin: not applicable. Functional consequence: retained intron. Not counted in ClinVar's aggregate classification.